The following is an entry in ClinVar:

NM_000540.3(RYR1):c.9796A>T (p.Met3266Leu)

Gene: RYR1 (ryanodine receptor 1; plus strand). Cytogenetic location: 19q13.2.
Variant type: single nucleotide variant.
Coding change: c.9796A>T on transcript NM_000540.3 (MANE Select); coding-DNA position 9796, A replaced by T.
Protein change: p.Met3266Leu; replaces methionine 3266 with leucine.
Molecular consequence: missense variant.
Genome position (GRCh38, 1-based): chr19:38,517,469, A>T. VCF-style: chr19-38517469-A-T. GRCh37 (hg19) VCF-style: chr19-39008109-A-T.
Other names: c.9796A>T (NM_000540.2); c.9796A>T, p.Met3266Leu (NM_001042723.2); short protein forms M3266L.
Identifiers: ClinVar variation 1059238 (VCV001059238.13), dbSNP rs201588259, ClinGen allele CA405692064.

ClinVar aggregate classification (germline): Uncertain significance. Review status: criteria provided, multiple submitters, no conflicts (2 of 4 stars). 6 submissions from 6 submitters: Uncertain significance (5). 1 of the submissions does not count toward it. Last evaluated 2024-07-19.

Conditions:
Malignant hyperthermia, susceptibility to, 1 (MHS1). Also called: RYR1-Related Malignant Hyperthermia Susceptibility; Anesthesia related hyperthermia; Malignant hyperpyrexia; Fulminating hyperpyrexia; Pharmacogenic myopathy; Malignant hyperthermia suceptibility 1. Identifiers: Orphanet 423, MedGen C2930980, MONDO:0007783, OMIM 145600.
Congenital myopathy with fiber type disproportion. Also called: Congenital fiber-type disproportion myopathy; Congenital fiber-type disproportion. Identifiers: Orphanet 2020, MedGen C0546264, MONDO:0009711. Inheritance: all.
Central core myopathy (CMYO1A). Also called: CONGENITAL MYOPATHY 1A, AUTOSOMAL DOMINANT, WITH SUSCEPTIBILITY TO MALIGNANT HYPERTHERMIA; Central core disease; Myopathy, central fibrillar. Identifiers: Orphanet 597, MedGen C5830701, MONDO:0007294, OMIM 117000.
Congenital multicore myopathy with external ophthalmoplegia (CMYO1B). Also called: Minicore myopathy with external ophthalmoplegia; MULTIMINICORE DISEASE WITH EXTERNAL OPHTHALMOPLEGIA; MULTICORE MYOPATHY; Congenital myopathy 1B, autosomal recessive; Minicore myopathy. Identifiers: Orphanet 598, Orphanet 98905, MedGen C1850674, MONDO:0009712, OMIM 255320, HP:0003789.
King Denborough syndrome (KDS). Identifiers: MedGen C1840365, MONDO:0020485, OMIM 619542.
RYR1-related disorder. Also called: RYR1-related disorders; RYR1-related condition. Identifiers: MedGen CN239331.

gnomAD v4.1: 49 of 1,613,898 alleles (0.003%); highest among the groups gnomAD compares: Non-Finnish European, 0.0041%; no homozygotes.

Submissions (6):

Labcorp Genetics (formerly Invitae), Labcorp
Classification: Uncertain significance for RYR1-related disorder. Last evaluated: 2024-07-19. Review status: criteria provided, single submitter. Criteria: Invitae Variant Classification Sherloc (09022015). Collection method: clinical testing. Allele origin: germline.
Comment: This sequence change replaces methionine, which is neutral and non-polar, with leucine, which is neutral and non-polar, at codon 3266 of the RYR1 protein (p.Met3266Leu). This variant is present in population databases (no rsID available, gnomAD 0.004%). This missense change has been observed in individual(s) with autosomal dominant RYR1-related conditions and/or malignant hyperthermia susceptibility (PMID: 29635721, 36283893). ClinVar contains an entry for this variant (Variation ID: 1059238). Advanced modeling of protein sequence and biophysical properties (such as structural, functional, and spatial information, amino acid conservation, physicochemical variation, residue mobility, and thermodynamic stability) has been performed at Invitae for this missense variant, however the output from this modeling did not meet the statistical confidence thresholds required to predict the impact of this variant on RYR1 protein function. In summary, the available evidence is currently insufficient to determine the role of this variant in disease. Therefore, it has been classified as a Variant of Uncertain Significance.

All of Us Research Program, National Institutes of Health
Classification: Uncertain significance for Malignant hyperthermia, susceptibility to, 1. Last evaluated: 2023-12-18. Review status: criteria provided, single submitter. Criteria: ACMG Guidelines, 2015. Collection method: clinical testing. Allele origin: germline. Inheritance: Autosomal dominant inheritance. Observed: 2 variant alleles, 2 heterozygotes.
Comment: This missense variant replaces methionine with leucine at codon 3266 of the RYR1 protein. Computational prediction is inconclusive regarding the impact of this variant on protein structure and function (internally defined REVEL score threshold 0.5 < inconclusive < 0.7, PMID: 27666373). To our knowledge, functional studies have not been reported for this variant. This variant has not been reported in individuals affected with RYR1-related disorders in the literature. This variant has been identified in 4/250522 chromosomes in the general population by the Genome Aggregation Database (gnomAD). The available evidence is insufficient to determine the role of this variant in disease conclusively. Therefore, this variant is classified as a Variant of Uncertain Significance.

This study involves interpretation of variants in research participants for the purpose of population health screening. Participant phenotype was not available at the time of variant classification. Additional details can be found in publication PMID: 35346344, PMCID: PMC8962531

Color Diagnostics, LLC DBA Color Health
Classification: Uncertain significance for Malignant hyperthermia, susceptibility to, 1. Last evaluated: 2023-11-22. Review status: criteria provided, single submitter. Criteria: ACMG Guidelines, 2015. Collection method: clinical testing. Allele origin: germline.
Comment: This missense variant replaces methionine with leucine at codon 3266 of the RYR1 protein. Computational prediction is inconclusive regarding the impact of this variant on protein structure and function. To our knowledge, functional studies have not been reported for this variant. This variant has not been reported in individuals affected with RYR1-related disorders in the literature. This variant has been identified in 4/250522 chromosomes in the general population by the Genome Aggregation Database (gnomAD). The available evidence is insufficient to determine the role of this variant in disease conclusively. Therefore, this variant is classified as a Variant of Uncertain Significance.

Fulgent Genetics
Classification: Uncertain significance for Central core myopathy; Malignant hyperthermia, susceptibility to, 1; Congenital myopathy 4A, autosomal dominant; Congenital multicore myopathy with external ophthalmoplegia; King Denborough syndrome. Last evaluated: 2021-09-22. Review status: criteria provided, single submitter. Criteria: ACMG Guidelines, 2015. Collection method: clinical testing. Allele origin: unknown.

Revvity Omics, Revvity
Classification: Uncertain significance. Last evaluated: 2019-09-18. Review status: criteria provided, single submitter. Criteria: ACMG Guidelines, 2015. Collection method: clinical testing. Allele origin: germline.

PreventionGenetics, part of Exact Sciences
Classification: Uncertain significance for RYR1-related condition. Last evaluated: 2024-03-06. Review status: no assertion criteria provided. Collection method: clinical testing. Allele origin: germline. Not counted in ClinVar's aggregate classification.
Comment: The RYR1 c.9796A>T variant is predicted to result in the amino acid substitution p.Met3266Leu. To our knowledge, this variant has not been reported in the literature. This variant is reported in 0.0035% of alleles in individuals of European (Non-Finnish) descent in gnomAD. A different nucleotide change resulting in the same amino acid substitution has been reported in a patient with rhabdomyolysis-myalgia syndrome (c.9796A>C; Witting et al. 2018. PubMed ID: 29635721, Janssens et al. 2022. PubMed ID: 36283893). Evidence supporting pathogenicity were not provided. At this time, the clinical significance of the c.9796A>T variant is uncertain due to the absence of conclusive functional and genetic evidence.

Literature cited by the submitters: PubMed 29635721 (cited by Labcorp Genetics (formerly Invitae), Labcorp); PubMed 36283893 (cited by Labcorp Genetics (formerly Invitae), Labcorp).